The following is an entry in ClinVar:

ClinVar aggregate classification (germline): Uncertain significance (1 of 4 stars; one submission).

Conditions:
Evans syndrome, immunodeficiency, and premature immunosenescence associated with tripeptidyl-peptidase II deficiency. Identifiers: MedGen CN231723. Disease mechanism: loss of function.

Submission:

Labcorp Genetics (formerly Invitae), Labcorp
Classification: Uncertain significance for Evans syndrome, immunodeficiency, and premature immunosenescence associated with tripeptidyl-peptidase II deficiency. Last evaluated: 2024-03-27. Review status: criteria provided, single submitter. Criteria: Invitae Variant Classification Sherloc (09022015). Collection method: clinical testing. Allele origin: germline.
Comment: This sequence change replaces proline, which is neutral and non-polar, with leucine, which is neutral and non-polar, at codon 140 of the TPP2 protein (p.Pro140Leu). This variant is not present in population databases (gnomAD no frequency). This variant has not been reported in the literature in individuals affected with TPP2-related conditions. An algorithm developed to predict the effect of missense changes on protein structure and function (PolyPhen-2) suggests that this variant is likely to be disruptive. In summary, the available evidence is currently insufficient to determine the role of this variant in disease. Therefore, it has been classified as a Variant of Uncertain Significance.

NM_001330588.2(TPP2):c.419C>T (p.Pro140Leu)

Gene: TPP2 (tripeptidyl peptidase 2; plus strand). Cytogenetic location: 13q33.1.
Variant type: single nucleotide variant.
Coding change: c.419C>T on transcript NM_001330588.2 (MANE Select); coding-DNA position 419, C replaced by T.
Protein change: p.Pro140Leu; replaces proline 140 with leucine.
Molecular consequence: missense variant. On other transcripts: non-coding transcript variant (1).
Genome position (GRCh38, 1-based): chr13:102,616,424, C>T. VCF-style: chr13-102616424-C-T. GRCh37 (hg19) VCF-style: chr13-103268774-C-T.
Other names: c.419C>T, p.Pro140Leu (NM_001367947.1, NM_003291.4); short protein forms P140L.
Identifiers: ClinVar variation 2738139 (VCV002738139.3), dbSNP rs2503883130, ClinGen allele CA388473477.